The following is an entry in ClinVar:

NM_053025.4(MYLK):c.3652+10C>T

Gene: MYLK (myosin light chain kinase; minus strand). Cytogenetic location: 3q21.1.
Variant type: single nucleotide variant.
Coding change: c.3652+10C>T on transcript NM_053025.4 (MANE Select); 10 bases into the intron after coding-DNA position 3652, C replaced by T.
Molecular consequence: intron variant.
Genome position (GRCh38, 1-based): chr3:123,682,214, G>A on the plus strand (C>T on the coding strand, the complement: MYLK is on the minus strand). VCF-style: chr3-123682214-G-A. GRCh37 (hg19) VCF-style: chr3-123401061-G-A.
Other names: c.3124+10C>T (NM_001321309.2); c.3445+10C>T (NM_053028.4, NM_053026.4); c.3652+10C>T (NM_053027.4).
Identifiers: ClinVar variation 508223 (VCV000508223.13), dbSNP rs199521089, ClinGen allele CA069927.
Genomic context (GRCh38, chr3:123,682,214, plus strand): 5'-GCTGCCCTCAGTCCCCGGGGTGCCTGCCCCTGCCTCTGCCTCTGCCTGGTGAAGCTGGGC[G>A]AGTACTCACTCTCAGTTCCTAGCACGGGAGGAAGAGAGCTCTTGGGCCTCCGGGATTTCA-3'

ClinVar aggregate classification (germline): Benign/Likely benign. Review status: criteria provided, multiple submitters, no conflicts (2 of 4 stars). 4 submissions from 4 submitters: Benign (1); Likely benign (2). 1 of the submissions does not count toward it. Last evaluated 2025-11-18.

Conditions:
Aortic aneurysm, familial thoracic 7 (AAT7). Also called: AORTIC DISSECTION, FAMILIAL, WITH OR WITHOUT AORTIC ANEURYSM. Identifiers: MedGen C3151077, MONDO:0013418, OMIM 613780.
MYLK-related disorder. Also called: MYLK-related condition.

Allele frequency attached by ClinVar (database versions not stated): gnomAD exomes 0.00003 and 0.00010; gnomAD 0.00015 and 0.00016; TOPMed 0.00023; ExAC 0.00025; 1000 Genomes Project 0.00060; 1000 Genomes Project 30x 0.00062.
gnomAD v4.1: 67 of 1,592,594 alleles (0.0042%); highest among the groups gnomAD compares: African/African-American, 0.037%; no homozygotes.

Submissions (4):

Labcorp Genetics (formerly Invitae), Labcorp
Classification: Likely benign for Aortic aneurysm, familial thoracic 7. Last evaluated: 2025-11-18. Review status: criteria provided, single submitter. Criteria: Invitae Variant Classification Sherloc (09022015). Collection method: clinical testing. Allele origin: germline.

Women's Health and Genetics/Laboratory Corporation of America, LabCorp
Classification: Benign. Last evaluated: 2021-07-19. Review status: criteria provided, single submitter. Criteria: LabCorp Variant Classification Summary - May 2015. Collection method: clinical testing. Allele origin: germline.
Comment: Variant summary: MYLK c.3652+10C>T alters a non-conserved nucleotide located close to a canonical splice site and therefore could affect mRNA splicing, leading to a significantly altered protein sequence. 4/4 computational tools predict no significant impact on normal splicing. However, these predictions have yet to be confirmed by functional studies. The variant allele was found at a frequency of 0.00015 in 150972 control chromosomes (gnomAD v3.1 genomes dataset). The observed variant frequency is about 3-times higher than the estimated maximal expected allele frequency for a pathogenic variant in MYLK causing Thoracic Aortic Aneurysms and Dissections phenotype (5e-05). However, in certain subpopulations, e.g. in the Africans and East Asians, the variant was found with even higher frequencies, i.e. 0.00039 (gnomAD v3.1 genomes dataset) and 0.0003 (jMorp database), respectively, strongly suggesting that the variant is a benign polymorphism. To our knowledge, no occurrence of c.3652+10C>T in individuals affected with Thoracic Aortic Aneurysms and Dissections and no experimental evidence demonstrating its impact on protein function have been reported. Two clinical diagnostic laboratories have submitted clinical-significance assessments for this variant to ClinVar after 2014 without evidence for independent evaluation, and both laboratories classified the variant as likely benign. Based on the evidence outlined above, the variant was classified as benign.

GeneDx
Classification: Likely benign. Last evaluated: 2017-03-20. Review status: criteria provided, single submitter. Criteria: GeneDx Variant Classification (06012015). Collection method: clinical testing. Allele origin: germline. Affected: yes.
Comment: This variant is considered likely benign or benign based on one or more of the following criteria: it is a conservative change, it occurs at a poorly conserved position in the protein, it is predicted to be benign by multiple in silico algorithms, and/or has population frequency not consistent with disease.

PreventionGenetics, part of Exact Sciences
Classification: Likely benign for MYLK-related condition. Last evaluated: 2019-08-08. Review status: no assertion criteria provided. Collection method: clinical testing. Allele origin: germline. Not counted in ClinVar's aggregate classification.
Comment: This variant is classified as likely benign based on ACMG/AMP sequence variant interpretation guidelines (Richards et al. 2015 PMID: 25741868, with internal and published modifications).